The following is an entry in ClinVar:

NM_004304.5(ALK):c.2355+1G>T

Gene: ALK (ALK receptor tyrosine kinase; minus strand). Cytogenetic location: 2p23.2.
Variant type: single nucleotide variant.
Coding change: c.2355+1G>T on transcript NM_004304.5 (MANE Select); the canonical splice donor site of the intron after coding-DNA position 2355, G replaced by T.
Molecular consequence: splice donor variant.
Genome position (GRCh38, 1-based): chr2:29,239,679, C>A on the plus strand (G>T on the coding strand, the complement: ALK is on the minus strand). VCF-style: chr2-29239679-C-A. GRCh37 (hg19) VCF-style: chr2-29462545-C-A.
Identifiers: ClinVar variation 2903895 (VCV002903895.3), dbSNP rs2465269937, ClinGen allele CA346474151.
Genomic context (GRCh38, chr2:29,239,679, plus strand): 5'-CAAGAGGCCTTCCCGGGGCCTGACAGAGTGCAGACGAGAAACCCCTGCTCTGGGCACTTA[C>A]ACTGGGGCAGGCGTCCTCTCCCTGCTGCCCAACCAGGATGTACAGCATGTCATCCTTCTC-3'

ClinVar aggregate classification (germline): Uncertain significance (1 of 4 stars; one submission).

Conditions:
Neuroblastoma, susceptibility to, 3. Also called: ALK-Related Neuroblastic Tumor Susceptibility. Identifiers: Orphanet 635, MedGen C2751681, MONDO:0013083, OMIM 613014.

Submission:

Labcorp Genetics (formerly Invitae), Labcorp
Classification: Uncertain significance for Neuroblastoma, susceptibility to, 3. Last evaluated: 2023-04-14. Review status: criteria provided, single submitter. Criteria: Invitae Variant Classification Sherloc (09022015). Collection method: clinical testing. Allele origin: germline.
Comment: In summary, the available evidence is currently insufficient to determine the role of this variant in disease. Therefore, it has been classified as a Variant of Uncertain Significance. Algorithms developed to predict the effect of sequence changes on RNA splicing suggest that this variant may disrupt the consensus splice site. This variant has not been reported in the literature in individuals affected with ALK-related conditions. This variant is not present in population databases (gnomAD no frequency). This sequence change affects a donor splice site in intron 13 of the ALK gene. It is expected to disrupt RNA splicing. Variants that disrupt the donor or acceptor splice site typically lead to a loss of protein function (PMID: 16199547), however the current clinical and genetic evidence is not sufficient to establish whether loss-of-function variants in ALK cause disease.

Literature cited by the submitters: PubMed 16199547.